The following is an entry in ClinVar:

ClinVar aggregate classification (germline): Uncertain significance. Review status: criteria provided, multiple submitters, no conflicts (2 of 4 stars). 2 submissions from 2 submitters: Uncertain significance (2). Last evaluated 2024-02-24.

Conditions:
Inborn genetic diseases. Identifiers: MedGen C0950123, MeSH D030342.

Allele frequency attached by ClinVar (database versions not stated): gnomAD exomes 0.00001 and 0.00002; TOPMed 0.00001; ExAC 0.00002; gnomAD 0.00002; ESP Exome Variant Server 0.00008.
gnomAD v4.1: 22 of 1,614,080 alleles (0.0014%); highest among the groups gnomAD compares: Non-Finnish European, 0.0018%; no homozygotes.

Submissions (2):

Labcorp Genetics (formerly Invitae), Labcorp
Classification: Uncertain significance. Last evaluated: 2024-02-24. Review status: criteria provided, single submitter. Criteria: Invitae Variant Classification Sherloc (09022015). Collection method: clinical testing. Allele origin: germline.
Comment: This sequence change replaces lysine, which is basic and polar, with glutamic acid, which is acidic and polar, at codon 2672 of the NSD1 protein (p.Lys2672Glu). This variant is present in population databases (rs370095667, gnomAD 0.005%). This variant has not been reported in the literature in individuals affected with NSD1-related conditions. ClinVar contains an entry for this variant (Variation ID: 589330). Advanced modeling of protein sequence and biophysical properties (such as structural, functional, and spatial information, amino acid conservation, physicochemical variation, residue mobility, and thermodynamic stability) has been performed at Invitae for this missense variant, however the output from this modeling did not meet the statistical confidence thresholds required to predict the impact of this variant on NSD1 protein function. In summary, the available evidence is currently insufficient to determine the role of this variant in disease. Therefore, it has been classified as a Variant of Uncertain Significance.

Ambry Genetics
Classification: Uncertain significance for Inborn genetic diseases. Last evaluated: 2016-07-20. Review status: criteria provided, single submitter. Criteria: Ambry Variant Classification Scheme 2023. Collection method: clinical testing. Allele origin: germline.
Comment: The p.K2672E variant (also known as c.8014A>G), located in coding exon 22 of the NSD1 gene, results from an A to G substitution at nucleotide position 8014. The lysine at codon 2672 is replaced by glutamic acid, an amino acid with similar properties. This variant was previously reported in the SNPDatabase as rs370095667. Based on data from the NHLBI Exome Sequencing Project (ESP), the G allele has an overall frequency of approximately 0.01% (1/13006) total alleles studied and 0.01% (1/8600) European American alleles. This amino acid position is well conserved in available vertebrate species. In addition, the in silico prediction for this alteration is inconclusive. Since supporting evidence is limited at this time, the clinical significance of this alteration remains unclear.

NM_022455.5(NSD1):c.8014A>G (p.Lys2672Glu)

Gene: NSD1 (nuclear receptor binding SET domain protein 1; plus strand). Cytogenetic location: 5q35.3.
Variant type: single nucleotide variant.
Coding change: c.8014A>G on transcript NM_022455.5 (MANE Select); coding-DNA position 8014, A replaced by G.
Protein change: p.Lys2672Glu; replaces lysine 2672 with glutamic acid.
Molecular consequence: missense variant.
Genome position (GRCh38, 1-based): chr5:177,295,382, A>G. VCF-style: chr5-177295382-A-G. GRCh37 (hg19) VCF-style: chr5-176722383-A-G.
Other names: c.8014A>G, p.Lys2672Glu (NM_001409302.1, NM_001409303.1, NM_001409301.1); c.7594A>G, p.Lys2532Glu (NM_001409304.1); c.7261A>G, p.Lys2421Glu (NM_001409305.1); c.7252A>G, p.Lys2418Glu (NM_001409306.1, NM_001409307.1); c.7141A>G, p.Lys2381Glu (NM_001409308.1, NM_001365684.2, NM_172349.5); c.6892A>G, p.Lys2298Glu (NM_001409309.1); short protein forms K2672E, K2403E, K2532E, K2298E, K2421E, K2381E, K2418E.
Identifiers: ClinVar variation 589330 (VCV000589330.7), dbSNP rs370095667, ClinGen allele CA3578217.